The following is an entry in ClinVar:

ClinVar aggregate classification (germline): Pathogenic. Review status: criteria provided, multiple submitters, no conflicts (2 of 4 stars). 5 submissions from 5 submitters: Pathogenic (5). Last evaluated 2024-02-26.

Conditions:
COL1A2-related disorder. Also called: COL1A2-Related Disorders; COL1A2-related condition.
Osteogenesis imperfecta type I (OI1). Also called: OSTEOGENESIS IMPERFECTA WITH BLUE SCLERAE; Lobstein disease; OI, TYPE I; OSTEOGENESIS IMPERFECTA TARDA; Classic Non-deforming Osteogenesis Imperfecta with Blue Sclerae; Osteogenesis imperfecta type 1. Identifiers: Orphanet 216796, Orphanet 666, MedGen C0023931, MONDO:0008146, OMIM 166200. Disease mechanism: loss of function.
Ehlers-Danlos syndrome, classic type, 1 (EDSCL1). Also called: Ehlers-Danlos Syndrome, Classic Type, COL5A1-Related; EDS I; EHLERS-DANLOS SYNDROME, GRAVIS TYPE; EHLERS-DANLOS SYNDROME, SEVERE CLASSIC TYPE; Ehlers-Danlos syndrome, type 1. Identifiers: MedGen C0268335, MONDO:0019567, OMIM 130000.
Osteogenesis imperfecta, perinatal lethal (OI2). Also called: Osteogenesis imperfecta type 2; OSTEOGENESIS IMPERFECTA, TYPE II; Osteogenesis imperfecta, dominant perinatal lethal; OI, TYPE II; OSTEOGENESIS IMPERFECTA CONGENITA; VROLIK TYPE OF OSTEOGENESIS IMPERFECTA. Identifiers: Orphanet 216804, MedGen C0268358, MONDO:0008147, OMIM 166210.

Submissions (5):

Labcorp Genetics (formerly Invitae), Labcorp
Classification: Pathogenic for Osteogenesis imperfecta type I; Ehlers-Danlos syndrome, classic type, 1. Last evaluated: 2024-02-26. Review status: criteria provided, single submitter. Criteria: Invitae Variant Classification Sherloc (09022015). Collection method: clinical testing. Allele origin: germline.
Comment: This sequence change replaces glycine, which is neutral and non-polar, with serine, which is neutral and polar, at codon 592 of the COL1A2 protein (p.Gly592Ser). This variant is not present in population databases (gnomAD no frequency). This missense change has been observed in individuals with osteogenesis imperfecta (PMID: 7959683). This variant is also known as p.Gly502Ser. ClinVar contains an entry for this variant (Variation ID: 1224306). Advanced modeling of protein sequence and biophysical properties (such as structural, functional, and spatial information, amino acid conservation, physicochemical variation, residue mobility, and thermodynamic stability) performed at Invitae indicates that this missense variant is expected to disrupt COL1A2 protein function with a positive predictive value of 95%. This variant disrupts the triple helix domain of COL1A2. Glycine residues within the Gly-Xaa-Yaa repeats of the triple helix domain are required for the structure and stability of fibrillar collagens (PMID: 7695699, 8218237, 19344236). In COL1A2, variants affecting these glycine residues are significantly enriched in individuals with disease (PMID: 9016532, 17078022) compared to the general population (ExAC). For these reasons, this variant has been classified as Pathogenic.

Clinical Genetics Laboratory, Skane University Hospital Lund
Classification: Pathogenic. Last evaluated: 2022-07-13. Review status: criteria provided, single submitter. Criteria: ACMG Guidelines, 2015. Collection method: clinical testing. Allele origin: germline. Affected: yes.

GeneDx
Classification: Pathogenic. Last evaluated: 2022-03-29. Review status: criteria provided, single submitter. Criteria: GeneDx Variant Classification Process June 2021. Collection method: clinical testing. Allele origin: germline. Affected: yes.
Comment: Identified in several unrelated individuals with a perinatal lethal form of osteogenesis imperfecta in published literature (Rose et al., 1994); Occurs in the triple helical domain and replaces the glycine in the canonical Gly-X-Y repeat; missense substitution of a canonical glycine residue is expected to disrupt normal protein folding and function, and this is an established mechanism of disease (HGMD); Not observed at significant frequency in large population cohorts (gnomAD); In silico analysis supports that this missense variant has a deleterious effect on protein structure/function; Also known as p.(G502S) using alternate nomenclature; This variant is associated with the following publications: (PMID: 27433940, 31299979, 7959683, 27535533, 24077912)

Blueprint Genetics
Classification: Pathogenic for COL1A2-related disorders. Last evaluated: 2020-06-10. Review status: criteria provided, single submitter. Criteria: ACMG Guidelines, 2015. Collection method: clinical testing. Allele origin: germline. Affected: yes. Observed: 1 variant allele.

Department of Human Genetics, Medical Research Institute, Alexandria University
Classification: Pathogenic for Osteogenesis imperfecta, perinatal lethal. Review status: criteria provided, single submitter. Criteria: ACMG Guidelines, 2015. Collection method: research. Allele origin: de novo. Inheritance: Autosomal dominant inheritance. Affected: yes.

Literature cited by the submitters: PubMed 7959683 (cited by Labcorp Genetics (formerly Invitae), Labcorp); PubMed 7695699 (cited by Labcorp Genetics (formerly Invitae), Labcorp); PubMed 8218237 (cited by Labcorp Genetics (formerly Invitae), Labcorp); PubMed 19344236 (cited by Labcorp Genetics (formerly Invitae), Labcorp); PubMed 9016532 (cited by Labcorp Genetics (formerly Invitae), Labcorp); PubMed 17078022 (cited by Labcorp Genetics (formerly Invitae), Labcorp).

NM_000089.4(COL1A2):c.1774G>A (p.Gly592Ser)

Gene: COL1A2 (collagen type I alpha 2 chain; plus strand). Cytogenetic location: 7q21.3.
Variant type: single nucleotide variant.
Coding change: c.1774G>A on transcript NM_000089.4 (MANE Select); coding-DNA position 1774, G replaced by A.
Protein change: p.Gly592Ser; replaces glycine 592 with serine.
Molecular consequence: missense variant.
Genome position (GRCh38, 1-based): chr7:94,416,414, G>A. VCF-style: chr7-94416414-G-A. GRCh37 (hg19) VCF-style: chr7-94045726-G-A.
Other names: short protein forms G592S.
Identifiers: ClinVar variation 1224306 (VCV001224306.14), dbSNP rs72658141, ClinGen allele CA162929043.